The following is an entry in ClinVar:

ClinVar aggregate classification (germline): Likely benign (1 of 4 stars; one submission).

Submission:

GeneDx
Classification: Likely benign. Last evaluated: 2016-01-29. Review status: criteria provided, single submitter. Criteria: GeneDx Variant Classification (06012015). Collection method: clinical testing. Allele origin: germline. Affected: yes.
Comment: This variant is considered likely benign or benign based on one or more of the following criteria: it is a conservative change, it occurs at a poorly conserved position in the protein, it is predicted to be benign by multiple in silico algorithms, and/or has population frequency not consistent with disease.

NM_014271.4(IL1RAPL1):c.911+6T>C

Gene: IL1RAPL1 (interleukin 1 receptor accessory protein like 1; plus strand). Cytogenetic location: Xp21.2.
Variant type: single nucleotide variant.
Coding change: c.911+6T>C on transcript NM_014271.4 (MANE Select); 6 bases into the intron after coding-DNA position 911, T replaced by C.
Molecular consequence: intron variant.
Genome position (GRCh38, 1-based): chrX:29,917,602, T>C. VCF-style: chrX-29917602-T-C. GRCh37 (hg19) VCF-style: chrX-29935719-T-C.
Identifiers: ClinVar variation 382521 (VCV000382521.1), dbSNP rs760355758, ClinGen allele CA16609173.